The following is an entry in ClinVar:

NM_001376.5(DYNC1H1):c.4416T>A (p.Thr1472=)

Gene: DYNC1H1 (dynein cytoplasmic 1 heavy chain 1; plus strand). Cytogenetic location: 14q32.31.
Variant type: single nucleotide variant.
Coding change: c.4416T>A on transcript NM_001376.5 (MANE Select); coding-DNA position 4416, T replaced by A.
Protein change: p.Thr1472=; no amino-acid change (threonine 1472 retained).
Molecular consequence: synonymous variant.
Genome position (GRCh38, 1-based): chr14:102,001,555, T>A. VCF-style: chr14-102001555-T-A. GRCh37 (hg19) VCF-style: chr14-102467892-T-A.
Identifiers: ClinVar variation 383070 (VCV000383070.5), dbSNP rs778296023, ClinGen allele CA7352236.

ClinVar aggregate classification (germline): Likely benign. Review status: criteria provided, multiple submitters, no conflicts (2 of 4 stars). 2 submissions from 2 submitters: Likely benign (2). Last evaluated 2024-02-02.

Conditions:
Charcot-Marie-Tooth disease axonal type 2O. Also called: CHARCOT-MARIE-TOOTH NEUROPATHY, AXONAL, TYPE 2O; CHARCOT-MARIE-TOOTH DISEASE, AXONAL, AUTOSOMAL DOMINANT, TYPE 2O; Charcot-Marie-Tooth Neuropathy Type 2O; Charcot-Marie-Tooth disease, axonal, type 20. Identifiers: Orphanet 284232, MedGen C3280220, MONDO:0013644, OMIM 614228.

Allele frequency attached by ClinVar (database versions not stated): gnomAD exomes below 0.00001 and 0.00001; ExAC 0.00001.
gnomAD v4.1: 14 of 1,614,052 alleles (0.00087%); highest among the groups gnomAD compares: Non-Finnish European, 0.0012%; no homozygotes.

Submissions (2):

Labcorp Genetics (formerly Invitae), Labcorp
Classification: Likely benign for Charcot-Marie-Tooth disease axonal type 2O. Last evaluated: 2024-02-02. Review status: criteria provided, single submitter. Criteria: Invitae Variant Classification Sherloc (09022015). Collection method: clinical testing. Allele origin: germline.

GeneDx
Classification: Likely benign. Last evaluated: 2016-01-26. Review status: criteria provided, single submitter. Criteria: GeneDx Variant Classification (06012015). Collection method: clinical testing. Allele origin: germline. Affected: yes.
Comment: This variant is considered likely benign or benign based on one or more of the following criteria: it is a conservative change, it occurs at a poorly conserved position in the protein, it is predicted to be benign by multiple in silico algorithms, and/or has population frequency not consistent with disease.